The following is an entry in ClinVar:

NM_024577.4(SH3TC2):c.3283T>C (p.Phe1095Leu)

Gene: SH3TC2 (SH3 domain and tetratricopeptide repeats 2; minus strand). Cytogenetic location: 5q32.
Variant type: single nucleotide variant.
Coding change: c.3283T>C on transcript NM_024577.4 (MANE Select); coding-DNA position 3283, T replaced by C.
Protein change: p.Phe1095Leu; replaces phenylalanine 1095 with leucine.
Molecular consequence: missense variant.
Genome position (GRCh38, 1-based): chr5:149,010,314, A>G on the plus strand (T>C on the coding strand, the complement: SH3TC2 is on the minus strand). VCF-style: chr5-149010314-A-G. GRCh37 (hg19) VCF-style: chr5-148389877-A-G.
Other names: short protein forms F1095L.
Identifiers: ClinVar variation 574989 (VCV000574989.6), dbSNP rs1248817393, ClinGen allele CA361664863.
Genomic context (GRCh38, chr5:149,010,314, plus strand): 5'-CACAGCTTGGACTTACTCGGTAGTACTCCACTGCATGATGCCTGTGGCGGGTCCCATTGA[A>G]GAACACATCACCTGCTTCTTCATAAAGTTTGAGAGCCAGCAAAGGCTCCTCTGACTTCAG-3'
Protein context (NP_078853.2, residues 1085-1105): KLYEEAGDVF[Phe1095Leu]NGTRHRHHAV

ClinVar aggregate classification (germline): Uncertain significance (1 of 4 stars; one submission).

Conditions:
Charcot-Marie-Tooth disease type 4. Also called: Charcot-Marie-Tooth disease, type IV; Charcot-Marie-Tooth, Type 4. Identifiers: Orphanet 64749, MedGen C4082197, MONDO:0018995.

Allele frequency attached by ClinVar (database versions not stated): gnomAD exomes below 0.00001; gnomAD 0.00001.
gnomAD v4.1: 3 of 1,614,096 alleles (0.00019%); highest among the groups gnomAD compares: Non-Finnish European, 0.00025%; no homozygotes.

Submission:

Labcorp Genetics (formerly Invitae), Labcorp
Classification: Uncertain significance for Charcot-Marie-Tooth disease type 4. Last evaluated: 2021-08-13. Review status: criteria provided, single submitter. Criteria: Invitae Variant Classification Sherloc (09022015). Collection method: clinical testing. Allele origin: germline.
Comment: This sequence change replaces phenylalanine with leucine at codon 1095 of the SH3TC2 protein (p.Phe1095Leu). The phenylalanine residue is highly conserved and there is a small physicochemical difference between phenylalanine and leucine. This variant is not present in population databases (ExAC no frequency). This variant has not been reported in the literature in individuals affected with SH3TC2-related conditions. Algorithms developed to predict the effect of missense changes on protein structure and function are either unavailable or do not agree on the potential impact of this missense change (SIFT: "Deleterious"; PolyPhen-2: "Probably Damaging"; Align-GVGD: "Class C15"). In summary, the available evidence is currently insufficient to determine the role of this variant in disease. Therefore, it has been classified as a Variant of Uncertain Significance.